The following is an entry in ClinVar:

NM_000146.4(FTL):c.130G>C (p.Ala44Pro)

Gene: FTL (ferritin light chain; plus strand). Cytogenetic location: 19q13.33.
Variant type: single nucleotide variant.
Coding change: c.130G>C on transcript NM_000146.4 (MANE Select); coding-DNA position 130, G replaced by C.
Protein change: p.Ala44Pro; replaces alanine 44 with proline.
Molecular consequence: missense variant.
Genome position (GRCh38, 1-based): chr19:48,965,797, G>C. VCF-style: chr19-48965797-G-C. GRCh37 (hg19) VCF-style: chr19-49469054-G-C.
Other names: short protein forms A44P.
Identifiers: ClinVar variation 4686961 (VCV004686961.1).

ClinVar aggregate classification (germline): Uncertain significance (1 of 4 stars; one submission).

gnomAD v4.1: 6 of 1,614,076 alleles (0.00037%); no homozygotes.

Submission:

GeneDx
Classification: Uncertain significance. Last evaluated: 2025-07-22. Review status: criteria provided, single submitter. Criteria: GeneDx Variant Classification Process June 2021. Collection method: clinical testing. Allele origin: germline. Affected: yes.
Comment: In silico analysis supports that this missense variant has a deleterious effect on protein structure/function; Has not been previously published as pathogenic or benign to our knowledge